The following is an entry in ClinVar:

ClinVar aggregate classification (germline): Pathogenic (1 of 4 stars; one submission).

Submission:

Labcorp Genetics (formerly Invitae), Labcorp
Classification: Pathogenic. Last evaluated: 2024-09-28. Review status: criteria provided, single submitter. Criteria: Invitae Variant Classification Sherloc (09022015). Collection method: clinical testing. Allele origin: germline.
Comment: This sequence change creates a premature translational stop signal (p.Ile163Leufs*17) in the ITGA6 gene. It is expected to result in an absent or disrupted protein product. Loss-of-function variants in ITGA6 are known to be pathogenic (PMID: 9158140, 9185503, 9804362, 27607025). This variant is not present in population databases (gnomAD no frequency). This variant has not been reported in the literature in individuals affected with ITGA6-related conditions. Algorithms developed to predict the effect of sequence changes on RNA splicing suggest that this variant may disrupt the consensus splice site. For these reasons, this variant has been classified as Pathogenic.

Literature cited by the submitters: PubMed 9158140; PubMed 9185503; PubMed 9804362; PubMed 27607025.

NM_000210.4(ITGA6):c.486del (p.Ile163fs)

Genes: PDK1-AS1 (PDK1 and ITGA6 antisense RNA 1; minus strand), ITGA6 (integrin subunit alpha 6; plus strand). Cytogenetic location: 2q31.1.
Variant type: Deletion.
Coding change: c.486del on transcript NM_000210.4 (MANE Select); coding-DNA position 486, one base deleted (G; older notation c.486delG).
Protein change: p.Ile163fs; shifts the reading frame from isoleucine 163.
Molecular consequence: frameshift variant.
Genome position (GRCh38, 1-based): chr2:172,469,223, G deleted; the last of 2 consecutive G bases (chr2:172,469,222-172,469,223); deleting either gives the same sequence. VCF-style (leftmost placement, unchanged base first): chr2-172469221-AG-A. GRCh37 (hg19) VCF-style: chr2-173333949-AG-A.
Other names: c.486del, p.Ile163fs (NM_001079818.3, NM_001365529.2, NM_001365530.2 and 1 more transcripts); c.144del, p.Ile49fs (NM_001316306.2); short protein forms I49fs, I163fs.
Identifiers: ClinVar variation 3721735 (VCV003721735.2).